The following is an entry in ClinVar:

ClinVar aggregate classification (germline): Conflicting classifications of pathogenicity. Review status: criteria provided, conflicting classifications (1 of 4 stars). 3 submissions from 3 submitters: Likely pathogenic (2); Uncertain significance (1). Last evaluated 2026-02-20.

Conditions:
Autosomal recessive distal spinal muscular atrophy 1. Also called: SEVERE INFANTILE AXONAL NEUROPATHY WITH RESPIRATORY FAILURE; SPINAL MUSCULAR ATROPHY, DIAPHRAGMATIC; NEURONOPATHY, DISTAL HEREDITARY MOTOR, HARDING TYPE VI; NEUROPATHY, DISTAL HEREDITARY MOTOR, AUTOSOMAL RECESSIVE 1; Spinal muscular atrophy with respiratory distress 1; HMN VI. Identifiers: Orphanet 98920, MedGen C1858517, MONDO:0011436, OMIM 604320.
Charcot-Marie-Tooth disease axonal type 2S. Also called: CHARCOT-MARIE-TOOTH DISEASE, AXONAL, AUTOSOMAL RECESSIVE, TYPE 2S; CHARCOT-MARIE-TOOTH NEUROPATHY, TYPE 2S. Identifiers: Orphanet 443073, MedGen C4015349, MONDO:0014511, OMIM 616155.

gnomAD v4.1: 17 of 1,606,110 alleles (0.0011%); highest among the groups gnomAD compares: Non-Finnish European, 0.00051%; no homozygotes.

Submissions (3):

Women's Health and Genetics/Laboratory Corporation of America, LabCorp
Classification: Uncertain significance. Last evaluated: 2026-02-20. Review status: criteria provided, single submitter. Criteria: LabCorp Variant Classification Summary - May 2015. Collection method: clinical testing. Allele origin: germline.
Comment: Variant summary: IGHMBP2 c.1489G>A (p.Gly497Arg) results in a non-conservative amino acid change in the encoded protein sequence. Algorithms developed to predict the effect of missense changes on protein structure and function all suggest that this variant is likely to be disruptive. The variant allele was found at a frequency of 2.6e-05 in 232962 control chromosomes. c.1489G>A has been observed in individual(s) affected with Charcot-Marie-Tooth disease axonal type 2S (Liu_2024, Liu_2017, Xie_2021). These data indicate that the variant may be associated with disease. To our knowledge, no experimental evidence demonstrating an impact on protein function has been reported. The following publications have been ascertained in the context of this evaluation (PMID: 38772550, 28065684, 34255403). ClinVar contains an entry for this variant (Variation ID: 836364). Based on the evidence outlined above, the variant was classified as VUS-possibly pathogenic.

Labcorp Genetics (formerly Invitae), Labcorp
Classification: Likely pathogenic for Autosomal recessive distal spinal muscular atrophy 1; Charcot-Marie-Tooth disease axonal type 2S. Last evaluated: 2025-12-15. Review status: criteria provided, single submitter. Criteria: Invitae Variant Classification Sherloc (09022015). Collection method: clinical testing. Allele origin: germline.
Comment: This sequence change replaces glycine, which is neutral and non-polar, with arginine, which is basic and polar, at codon 497 of the IGHMBP2 protein (p.Gly497Arg). This variant is present in population databases (rs764111837, gnomAD 0.01%). This missense change has been observed in individual(s) with autosomal recessive Charcot-Marie-Tooth disease (PMID: 28065684, 38772550). In at least one individual the data is consistent with being in trans (on the opposite chromosome) from a pathogenic variant. ClinVar contains an entry for this variant (Variation ID: 836364). Invitae Evidence Modeling of protein sequence and biophysical properties (such as structural, functional, and spatial information, amino acid conservation, physicochemical variation, residue mobility, and thermodynamic stability) has been performed for this missense variant. However, the output from this modeling did not meet the statistical confidence thresholds required to predict the impact of this variant on IGHMBP2 protein function. In summary, the currently available evidence indicates that the variant is pathogenic, but additional data are needed to prove that conclusively. Therefore, this variant has been classified as Likely Pathogenic.

GeneDx
Classification: Likely pathogenic. Last evaluated: 2023-12-13. Review status: criteria provided, single submitter. Criteria: GeneDx Variant Classification Process June 2021. Collection method: clinical testing. Allele origin: germline. Affected: yes.
Comment: In silico analysis supports that this missense variant has a deleterious effect on protein structure/function; Not observed at significant frequency in large population cohorts (gnomAD); This variant is associated with the following publications: (PMID: 24388491, 25439726, 22965130, 28065684)

Literature cited by the submitters: PubMed 34255403 (cited by Women's Health and Genetics/Laboratory Corporation of America, LabCorp); PubMed 38772550 (cited by Women's Health and Genetics/Laboratory Corporation of America, LabCorp and Labcorp Genetics (formerly Invitae), Labcorp); PubMed 28065684 (cited by Women's Health and Genetics/Laboratory Corporation of America, LabCorp and Labcorp Genetics (formerly Invitae), Labcorp).

NM_002180.3(IGHMBP2):c.1489G>A (p.Gly497Arg)

Gene: IGHMBP2 (immunoglobulin mu DNA binding protein 2; plus strand). Cytogenetic location: 11q13.3.
Variant type: single nucleotide variant.
Coding change: c.1489G>A on transcript NM_002180.3 (MANE Select); coding-DNA position 1489, G replaced by A.
Protein change: p.Gly497Arg; replaces glycine 497 with arginine.
Molecular consequence: missense variant.
Genome position (GRCh38, 1-based): chr11:68,933,865, G>A. VCF-style: chr11-68933865-G-A. GRCh37 (hg19) VCF-style: chr11-68701333-G-A.
Other names: short protein forms G497R.
Identifiers: ClinVar variation 836364 (VCV000836364.10), dbSNP rs764111837, ClinGen allele CA6153665.